The following is an entry in ClinVar:

NM_000169.3(GLA):c.314_315del (p.Arg105fs)

Genes: GLA (galactosidase alpha; minus strand), RPL36A-HNRNPH2 (RPL36A-HNRNPH2 readthrough; plus strand). Cytogenetic location: Xq22.1.
Variant type: Deletion.
Coding change: c.314_315del on transcript NM_000169.3 (MANE Select); coding-DNA positions 314 to 315, 2 bases deleted (GA; older notation c.314_315delGA).
Protein change: p.Arg105fs; shifts the reading frame from arginine 105.
Molecular consequence: frameshift variant. On other transcripts: non-coding transcript variant (3), intron variant (2).
Genome position (GRCh38, 1-based): chrX:101,403,865-101,403,866, TC deleted on the plus strand (GA on the coding strand, the reverse complement: GLA is on the minus strand); deleting any 2 consecutive bases within chrX:101,403,865-101,403,867 gives the same sequence; the c. name uses the placement nearest the transcript's 3' end. VCF-style (leftmost placement, unchanged base first): chrX-101403864-GTC-G. GRCh37 (hg19) VCF-style: chrX-100658852-GTC-G.
Other names: c.437_438del, p.Arg146fs (NM_001406747.1, NM_001406749.1); c.314_315del, p.Arg105fs (NM_001406748.1); c.301-8070_301-8069del (NM_001199973.2); c.178-8070_178-8069del (NM_001199974.2); short protein forms R105fs, R146fs.
Identifiers: ClinVar variation 4086942 (VCV004086942.2).

ClinVar aggregate classification (germline): Pathogenic (1 of 4 stars; one submission).

Conditions:
Fabry disease. Also called: ALPHA-GALACTOSIDASE A DEFICIENCY; ANDERSON-FABRY DISEASE; CERAMIDE TRIHEXOSIDASE DEFICIENCY; GLA DEFICIENCY; HEREDITARY DYSTOPIC LIPIDOSIS; Angiokeratoma corporis diffusum. Identifiers: Orphanet 324, MedGen C0002986, MONDO:0010526, OMIM 301500, HP:0001071. Disease mechanism: Fabry disease is due to inactivating mutations in the X-linked GLA gene resulting in deficiency of the enzyme Alpha Galactosidase-A., loss of function.

Submission:

Genomenon, Inc
Classification: Pathogenic for Fabry disease. Last evaluated: 2026-09-08. Review status: criteria provided, single submitter. Criteria: Genomenon Sequence Variant Interpretation Standards - Updated. Collection method: curation. Allele origin: germline. Affected: yes.
Comment: GLA p.Arg105ThrfsTer17 (c.314_315del) is a frameshift variant that is predicted to introduce a premature termination codon and result in a truncated or absent protein product. This variant has been observed in at least one proband with clinical features consistent with Fabry disease (PMID:33301762). It is absent or not present at a significant frequency in gnomAD. In conclusion, we classify GLA p.Arg105ThrfsTer17 (c.314_315del) as a pathogenic variant.

Literature cited by the submitters: PubMed 33301762.